The following is an entry in ClinVar:

ClinVar aggregate classification (germline): Benign. Review status: criteria provided, multiple submitters, no conflicts (2 of 4 stars). 2 submissions from 2 submitters: Benign (2). Last evaluated 2018-01-13.

Conditions:
Sjögren-Larsson syndrome (SLS). Also called: FALDH DEFICIENCY; FATTY ALCOHOL:NAD+ OXIDOREDUCTASE DEFICIENCY; FATTY ALDEHYDE DEHYDROGENASE DEFICIENCY; ICHTHYOSIS, SPASTIC NEUROLOGIC DISORDER, AND OLIGOPHRENIA. Identifiers: Orphanet 816, MedGen C0037231, MONDO:0010031, OMIM 270200.

Allele frequency attached by ClinVar (database versions not stated): 1000 Genomes Project 0.02097; 1000 Genomes Project 30x 0.02171; gnomAD 0.02247; TOPMed 0.02451.

Submissions (2):

Illumina Laboratory Services, Illumina
Classification: Benign for Sjögren-Larsson syndrome. Last evaluated: 2018-01-13. Review status: criteria provided, single submitter. Criteria: ICSL Variant Classification Criteria 13 December 2019. Collection method: clinical testing. Allele origin: germline.
Comment: This variant was observed in the ICSL laboratory as part of a predisposition screen in an ostensibly healthy population. It had not been previously curated by ICSL or reported in the Human Gene Mutation Database (HGMD: prior to June 1st, 2018), and was therefore a candidate for classification through an automated scoring system. Utilizing variant allele frequency, disease prevalence and penetrance estimates, and inheritance mode, an automated score was calculated to assess if this variant is too frequent to cause the disease. Based on the score and internal cut-off values, a variant classified as benign is not then subjected to further curation. The score for this variant resulted in a classification of benign for this disease.

Breakthrough Genomics
Classification: Benign. Review status: criteria provided, single submitter. Criteria: ACMG Guidelines, 2015. Collection method: not provided. Allele origin: germline. Inheritance: Autosomal recessive inheritance. Affected: yes.

NM_000382.3(ALDH3A2):c.*973T>C

Gene: ALDH3A2 (aldehyde dehydrogenase 3 family member A2; plus strand). Cytogenetic location: 17p11.2.
Variant type: single nucleotide variant.
Coding change: c.*973T>C on transcript NM_000382.3 (MANE Select); 973 bases downstream of the stop codon, T replaced by C.
Molecular consequence: 3 prime UTR variant.
Genome position (GRCh38, 1-based): chr17:19,676,545, T>C. VCF-style: chr17-19676545-T-C. GRCh37 (hg19) VCF-style: chr17-19579858-T-C.
Other names: c.*1029T>C (NM_001031806.2, NM_001369136.1, NM_001369137.2); c.*973T>C (NM_001369138.2, NM_001369139.1, NM_001369148.2); c.*920T>C (NM_001369146.2).
Identifiers: ClinVar variation 322230 (VCV000322230.6), dbSNP rs117561472, ClinGen allele CA10648779.